The following is an entry in ClinVar:

ClinVar aggregate classification (germline): Benign/Likely benign. Review status: criteria provided, multiple submitters, no conflicts (2 of 4 stars). 9 submissions from 9 submitters: Benign (8); Likely benign (1). Last evaluated 2026-02-04.

Conditions:
Hermansky-Pudlak syndrome 2 (HPS2). Also called: Platelet defects and oculocutaneous albinism. Identifiers: Orphanet 183678, Orphanet 79430, MedGen C1842362, MONDO:0011997, OMIM 608233.

Allele frequency attached by ClinVar (database versions not stated): 1000 Genomes Project 0.14277; 1000 Genomes Project 30x 0.14975; gnomAD 0.18393 and 0.18606; ExAC 0.18658; ESP Exome Variant Server 0.18714; TOPMed 0.18741; gnomAD exomes 0.19351 and 0.21443.
gnomAD v4.1: 338,175 of 1,604,018 alleles (21%); highest among the groups gnomAD compares: Admixed American, 29%; 38,199 homozygotes.

Submissions (9):

Labcorp Genetics (formerly Invitae), Labcorp
Classification: Benign for Hermansky-Pudlak syndrome 2. Last evaluated: 2026-02-04. Review status: criteria provided, single submitter. Criteria: Invitae Variant Classification Sherloc (09022015). Collection method: clinical testing. Allele origin: germline.

Women's Health and Genetics/Laboratory Corporation of America, LabCorp
Classification: Benign. Last evaluated: 2025-02-09. Review status: criteria provided, single submitter. Criteria: LabCorp Variant Classification Summary - May 2015. Collection method: clinical testing. Allele origin: germline.

Blueprint Genetics
Classification: Likely benign. Last evaluated: 2024-11-26. Review status: criteria provided, single submitter. Criteria: ACMG Guidelines, 2015. Collection method: clinical testing. Allele origin: germline.

Unidad de Genómica Garrahan, Hospital de Pediatría Garrahan
Classification: Benign. Last evaluated: 2023-11-12. Review status: criteria provided, single submitter. Criteria: ACMG Guidelines, 2015. Collection method: clinical testing. Allele origin: germline. Affected: no. Observed: 42 variant alleles.
Comment: This variant is classified as Benign based on local population frequency. This variant was detected in 44% of patients studied by a panel of primary immunodeficiencies. Number of patients: 42. Only high quality variants are reported.

Mayo Clinic Laboratories, Mayo Clinic
Classification: Benign. Last evaluated: 2022-09-29. Review status: criteria provided, single submitter. Criteria: ACMG Guidelines, 2015. Collection method: clinical testing. Allele origin: germline. Observed: 857 variant alleles.

GeneDx
Classification: Benign. Last evaluated: 2018-11-27. Review status: criteria provided, single submitter. Criteria: GeneDx Variant Classification Process June 2021. Collection method: clinical testing. Allele origin: germline. Affected: yes.

Laboratory for Molecular Medicine, Mass General Brigham Personalized Medicine
Classification: Benign. Last evaluated: 2013-06-13. Review status: criteria provided, single submitter. Criteria: LMM Criteria. Collection method: clinical testing. Allele origin: germline. Observed: 32 variant alleles.
Comment: Benign based on MAF (12-22% in ESP populations)

Breakthrough Genomics
Classification: Benign. Review status: criteria provided, single submitter. Criteria: ACMG Guidelines, 2015. Collection method: not provided. Allele origin: germline. Inheritance: Autosomal recessive inheritance. Affected: yes.

PreventionGenetics, part of Exact Sciences
Classification: Benign. Review status: criteria provided, single submitter. Criteria: ACMG Guidelines, 2015. Collection method: clinical testing. Allele origin: germline.

NM_003664.5(AP3B1):c.1038T>C (p.Asn346=)

Gene: AP3B1 (adaptor related protein complex 3 subunit beta 1; minus strand). Cytogenetic location: 5q14.1.
Variant type: single nucleotide variant.
Coding change: c.1038T>C on transcript NM_003664.5 (MANE Select); coding-DNA position 1038, T replaced by C.
Protein change: p.Asn346=; no amino-acid change (asparagine 346 retained).
Molecular consequence: synonymous variant.
Genome position (GRCh38, 1-based): chr5:78,177,341, A>G on the plus strand (T>C on the coding strand, the complement: AP3B1 is on the minus strand). VCF-style: chr5-78177341-A-G. GRCh37 (hg19) VCF-style: chr5-77473165-A-G.
Other names: p.Asn346=; c.891T>C, p.Asn297= (NM_001271769.2).
Identifiers: ClinVar variation 178705 (VCV000178705.26), dbSNP rs4532349, ClinGen allele CA182821.